The following is an entry in ClinVar:

NM_001457.4(FLNB):c.2953T>A (p.Ser985Thr)

Gene: FLNB (filamin B; plus strand). Cytogenetic location: 3p14.3.
Variant type: single nucleotide variant.
Coding change: c.2953T>A on transcript NM_001457.4 (MANE Select); coding-DNA position 2953, T replaced by A.
Protein change: p.Ser985Thr; replaces serine 985 with threonine.
Molecular consequence: missense variant.
Genome position (GRCh38, 1-based): chr3:58,121,330, T>A. VCF-style: chr3-58121330-T-A. GRCh37 (hg19) VCF-style: chr3-58107057-T-A.
Other names: c.2953T>A, p.Ser985Thr (NM_001164317.2, NM_001164318.2, NM_001164319.2); short protein forms S985T.
Identifiers: ClinVar variation 1998720 (VCV001998720.4), dbSNP rs753564991, ClinGen allele CA353347412.
Genomic context (GRCh38, chr3:58,121,330, plus strand): 5'-ACCGTTGATACCAGGGGGGCAGGAGGCCAGGGGAAGCTGGACGTGACAATCCTCAGCCCC[T>A]CTCGGAAGGTCGTGCCATGCCTAGTGACACCTGTGACAGGCCGGGAGAACAGCACGGCCA-3'
Protein context (NP_001448.2, residues 975-995): GKLDVTILSP[Ser985Thr]RKVVPCLVTP

ClinVar aggregate classification (germline): Uncertain significance (1 of 4 stars; one submission).

gnomAD v4.1: 1 of 1,613,982 alleles (0.000062%); highest among the groups gnomAD compares: Non-Finnish European, 0.000085%; no homozygotes.

Submission:

Labcorp Genetics (formerly Invitae), Labcorp
Classification: Uncertain significance. Last evaluated: 2022-05-25. Review status: criteria provided, single submitter. Criteria: Invitae Variant Classification Sherloc (09022015). Collection method: clinical testing. Allele origin: germline.
Comment: In summary, the available evidence is currently insufficient to determine the role of this variant in disease. Therefore, it has been classified as a Variant of Uncertain Significance. This sequence change replaces serine, which is neutral and polar, with threonine, which is neutral and polar, at codon 985 of the FLNB protein (p.Ser985Thr). Advanced modeling of protein sequence and biophysical properties (such as structural, functional, and spatial information, amino acid conservation, physicochemical variation, residue mobility, and thermodynamic stability) performed at Invitae indicates that this missense variant is not expected to disrupt FLNB protein function. This variant has not been reported in the literature in individuals affected with FLNB-related conditions. This variant is not present in population databases (gnomAD no frequency).